The following is an entry in ClinVar:

ClinVar aggregate classification (germline): Uncertain significance (1 of 4 stars; one submission).

Submission:

GeneDx
Classification: Uncertain significance. Last evaluated: 2024-03-16. Review status: criteria provided, single submitter. Criteria: GeneDx Variant Classification Process June 2021. Collection method: clinical testing. Allele origin: germline. Affected: yes.
Comment: Not observed at significant frequency in large population cohorts (gnomAD); In silico analysis supports that this missense variant does not alter protein structure/function; Has not been previously published as pathogenic or benign to our knowledge

NM_015057.5(MYCBP2):c.5677T>G (p.Ser1893Ala)

Gene: MYCBP2 (MYC binding protein 2; minus strand). Cytogenetic location: 13q22.3.
Variant type: single nucleotide variant.
Coding change: c.5677T>G on transcript NM_015057.5 (MANE Select); coding-DNA position 5677, T replaced by G.
Protein change: p.Ser1893Ala; replaces serine 1893 with alanine.
Molecular consequence: missense variant.
Genome position (GRCh38, 1-based): chr13:77,171,609, A>C on the plus strand (T>G on the coding strand, the complement: MYCBP2 is on the minus strand). VCF-style: chr13-77171609-A-C. GRCh37 (hg19) VCF-style: chr13-77745744-A-C.
Other names: short protein forms S1893A.
Identifiers: ClinVar variation 3371109 (VCV003371109.1).